The following is an entry in ClinVar:

ClinVar aggregate classification (germline): Uncertain significance (1 of 4 stars; one submission).

Allele frequency attached by ClinVar (database versions not stated): gnomAD 0.00004; ExAC 0.00006; TOPMed 0.00006; ESP Exome Variant Server 0.00015.
gnomAD v4.1: 58 of 1,612,596 alleles (0.0036%); highest among the groups gnomAD compares: East Asian, 0.016%; no homozygotes.

Submission:

Labcorp Genetics (formerly Invitae), Labcorp
Classification: Uncertain significance. Last evaluated: 2022-08-16. Review status: criteria provided, single submitter. Criteria: Invitae Variant Classification Sherloc (09022015). Collection method: clinical testing. Allele origin: germline.
Comment: This sequence change replaces threonine, which is neutral and polar, with methionine, which is neutral and non-polar, at codon 941 of the INPPL1 protein (p.Thr941Met). This variant is present in population databases (rs375841975, gnomAD 0.05%). This variant has not been reported in the literature in individuals affected with INPPL1-related conditions. Algorithms developed to predict the effect of missense changes on protein structure and function are either unavailable or do not agree on the potential impact of this missense change (SIFT: "Deleterious"; PolyPhen-2: "Benign"; Align-GVGD: "Class C0"). In summary, the available evidence is currently insufficient to determine the role of this variant in disease. Therefore, it has been classified as a Variant of Uncertain Significance.

NM_001567.4(INPPL1):c.2822C>T (p.Thr941Met)

Gene: INPPL1 (inositol polyphosphate phosphatase like 1; plus strand). Cytogenetic location: 11q13.4.
Variant type: single nucleotide variant.
Coding change: c.2822C>T on transcript NM_001567.4 (MANE Select); coding-DNA position 2822, C replaced by T.
Protein change: p.Thr941Met; replaces threonine 941 with methionine.
Molecular consequence: missense variant.
Genome position (GRCh38, 1-based): chr11:72,235,929, C>T. VCF-style: chr11-72235929-C-T. GRCh37 (hg19) VCF-style: chr11-71946973-C-T.
Other names: short protein forms T941M.
Identifiers: ClinVar variation 1988782 (VCV001988782.1), dbSNP rs375841975, ClinGen allele CA6170474.